The following is an entry in ClinVar:

NM_002769.5(PRSS1):c.263T>G (p.Ile88Ser)

Genes: PRSS1 (serine protease 1; plus strand), TRB (T cell receptor beta locus; plus strand). Cytogenetic location: 7q34.
Variant type: single nucleotide variant.
Coding change: c.263T>G on transcript NM_002769.5 (MANE Select); coding-DNA position 263, T replaced by G.
Protein change: p.Ile88Ser; replaces isoleucine 88 with serine.
Molecular consequence: missense variant. On other transcripts: non-coding transcript variant (4).
Genome position (GRCh38, 1-based): chr7:142,751,836, T>G. VCF-style: chr7-142751836-T-G. GRCh37 (hg19) VCF-style: chr7-142459687-T-G.
Other names: short protein forms I88S.
Identifiers: ClinVar variation 5027399 (VCV005027399.1).

ClinVar aggregate classification (germline): Uncertain significance (1 of 4 stars; one submission).

Conditions:
Hereditary pancreatitis (PCTT). Also called: Hereditary chronic pancreatitis; PRSS1-Related Hereditary Pancreatitis. Identifiers: Orphanet 676, MedGen C0238339, MONDO:0008185, OMIM 167800.

Submission:

Ambry Genetics
Classification: Uncertain significance for Hereditary pancreatitis. Last evaluated: 2026-07-06. Review status: criteria provided, single submitter. Criteria: Ambry Variant Classification Scheme 2023. Collection method: clinical testing. Allele origin: germline.
Comment: The p.I88S variant (also known as c.263T>G), located in coding exon 3 of the PRSS1 gene, results from a T to G substitution at nucleotide position 263. The isoleucine at codon 88 is replaced by serine, an amino acid with dissimilar properties. This amino acid position is well conserved in available vertebrate species. In addition, this alteration is predicted to be deleterious by in silico analysis. Based on the available evidence, the clinical significance of this variant remains unclear.